The following is an entry in ClinVar:

NM_000158.4(GBE1):c.805C>T (p.Leu269=)

Gene: GBE1 (1,4-alpha-glucan branching enzyme 1; minus strand). Cytogenetic location: 3p12.2.
Variant type: single nucleotide variant.
Coding change: c.805C>T on transcript NM_000158.4 (MANE Select); coding-DNA position 805, C replaced by T.
Protein change: p.Leu269=; no amino-acid change (leucine 269 retained).
Molecular consequence: synonymous variant.
Genome position (GRCh38, 1-based): chr3:81,642,968, G>A on the plus strand (C>T on the coding strand, the complement: GBE1 is on the minus strand). VCF-style: chr3-81642968-G-A. GRCh37 (hg19) VCF-style: chr3-81692119-G-A.
Other names: p.Leu269=.
Identifiers: ClinVar variation 2094551 (VCV002094551.5), dbSNP rs1409315848, ClinGen allele CA434493894.

ClinVar aggregate classification (germline): Likely benign. Review status: criteria provided, multiple submitters, no conflicts (2 of 4 stars). 2 submissions from 2 submitters: Likely benign (2). Last evaluated 2024-12-27.

Conditions:
Glycogen storage disease IV, classic hepatic. Also called: GSD IV, CLASSIC HEPATIC. Identifiers: MedGen C1856301.
Glycogen storage disease, type IV (GSD4). Also called: Glycogen storage disease due to glycogen branching enzyme deficiency; AMYLOPECTINOSIS; ANDERSEN DISEASE; BRANCHER DEFICIENCY; CIRRHOSIS, FAMILIAL, WITH DEPOSITION OF ABNORMAL GLYCOGEN; GBE1 DEFICIENCY. Identifiers: Orphanet 367, MedGen C0017923, MONDO:0009292, OMIM 232500.

gnomAD v4.1: 6 of 1,610,628 alleles (0.00037%); highest among the groups gnomAD compares: Non-Finnish European, 0.00051%; no homozygotes.

Submissions (2):

Mayo Clinic Laboratories, Mayo Clinic
Classification: Likely benign. Last evaluated: 2024-12-27. Review status: criteria provided, single submitter. Criteria: ACMG Guidelines, 2015. Collection method: clinical testing. Allele origin: germline. Observed: 1 variant allele.
Comment: BP4, BP7

Labcorp Genetics (formerly Invitae), Labcorp
Classification: Likely benign for Glycogen storage disease, type IV; Glycogen storage disease IV, classic hepatic. Last evaluated: 2022-02-08. Review status: criteria provided, single submitter. Criteria: Invitae Variant Classification Sherloc (09022015). Collection method: clinical testing. Allele origin: germline.